The following is an entry in ClinVar:

ClinVar aggregate classification (germline): Uncertain significance. Review status: criteria provided, multiple submitters, no conflicts (2 of 4 stars). 2 submissions from 2 submitters: Uncertain significance (2). Last evaluated 2025-04-17.

Conditions:
Colorectal cancer, susceptibility to, 12 (CRCS12). Also called: COLORECTAL CANCER, SUSCEPTIBILITY TO, ON CHROMOSOME 12q24. Identifiers: Orphanet 220460, MedGen C3554460, MONDO:0014038, OMIM 615083.
Facial dysmorphism-immunodeficiency-livedo-short stature syndrome. Also called: Facial dysmorphism, immunodeficiency, livedo, and short stature; FILS syndrome. Identifiers: Orphanet 352712, MedGen C3554576, MONDO:0014058, OMIM 615139.
Polymerase proofreading-related adenomatous polyposis. Also called: Polymerase proofreading associated polyposis; Polymerase proofreading–associated polyposis (PPAP). Identifiers: Orphanet 447877, MedGen C5202613, MONDO:0018653.
Hereditary cancer-predisposing syndrome. Also called: Neoplastic Syndromes, Hereditary; Tumor predisposition; Hereditary neoplastic syndrome; Hereditary Cancer Syndrome. Identifiers: Orphanet 140162, MedGen C0027672, MeSH D009386, MONDO:0015356.

Submissions (2):

Ambry Genetics
Classification: Uncertain significance for Hereditary cancer-predisposing syndrome. Last evaluated: 2025-04-17. Review status: criteria provided, single submitter. Criteria: Ambry Variant Classification Scheme 2023. Collection method: clinical testing. Allele origin: germline.
Comment: The p.L145S variant (also known as c.434T>C), located in coding exon 6 of the POLE gene, results from a T to C substitution at nucleotide position 434. The leucine at codon 145 is replaced by serine, an amino acid with dissimilar properties. This amino acid position is conserved. In addition, this alteration is predicted to be deleterious by in silico analysis. Based on the available evidence, the clinical significance of this variant remains unclear.

Labcorp Genetics (formerly Invitae), Labcorp
Classification: Uncertain significance. Last evaluated: 2018-08-23. Review status: criteria provided, single submitter. Criteria: Invitae Variant Classification Sherloc (09022015). Collection method: clinical testing. Allele origin: germline.
Comment: In summary, the available evidence is currently insufficient to determine the role of this variant in disease. Therefore, it has been classified as a Variant of Uncertain Significance. Algorithms developed to predict the effect of missense changes on protein structure and function are either unavailable or do not agree on the potential impact of this missense change (SIFT: "Deleterious"; PolyPhen-2: "Probably Damaging"; Align-GVGD: "Class C0"). This variant has not been reported in the literature in individuals with POLE-related disease. This variant is not present in population databases (ExAC no frequency). This sequence change replaces leucine with serine at codon 145 of the POLE protein (p.Leu145Ser). The leucine residue is highly conserved and there is a large physicochemical difference between leucine and serine.

NM_006231.4(POLE):c.434T>C (p.Leu145Ser)

Gene: POLE (DNA polymerase epsilon, catalytic subunit; minus strand). Cytogenetic location: 12q24.33.
Variant type: single nucleotide variant.
Coding change: c.434T>C on transcript NM_006231.4 (MANE Select); coding-DNA position 434, T replaced by C.
Protein change: p.Leu145Ser; replaces leucine 145 with serine.
Molecular consequence: missense variant.
Genome position (GRCh38, 1-based): chr12:132,679,641, A>G on the plus strand (T>C on the coding strand, the complement: POLE is on the minus strand). VCF-style: chr12-132679641-A-G. GRCh37 (hg19) VCF-style: chr12-133256227-A-G.
Other names: c.434T>C (NM_006231.2); short protein forms L145S.
Identifiers: ClinVar variation 646630 (VCV000646630.11), dbSNP rs1593085333, ClinGen allele CA387367616.